The following is an entry in ClinVar:

ClinVar aggregate classification (germline): Likely benign. Review status: criteria provided, multiple submitters, no conflicts (2 of 4 stars). 3 submissions from 3 submitters: Likely benign (3). Last evaluated 2025-07-16.

Conditions:
Autosomal recessive limb-girdle muscular dystrophy type 2J (LGMDR10). Also called: Limb-girdle muscular dystrophy, type 2J; MUSCULAR DYSTROPHY, LIMB-GIRDLE, AUTOSOMAL RECESSIVE 10. Identifiers: Orphanet 140922, MedGen C1837342, MONDO:0012127, OMIM 608807.
Dilated cardiomyopathy 1G (CMD1G). Identifiers: Orphanet 154, MedGen C1858763, MONDO:0011400, OMIM 604145.

Allele frequency attached by ClinVar (database versions not stated): gnomAD exomes 0.00001.
gnomAD v4.1: 3 of 1,613,286 alleles (0.00019%); highest among the groups gnomAD compares: Non-Finnish European, 0.00025%; no homozygotes.

Submissions (3):

Labcorp Genetics (formerly Invitae), Labcorp
Classification: Likely benign for Dilated cardiomyopathy 1G; Autosomal recessive limb-girdle muscular dystrophy type 2J. Last evaluated: 2025-07-16. Review status: criteria provided, single submitter. Criteria: Invitae Variant Classification Sherloc (09022015). Collection method: clinical testing. Allele origin: germline.

Women's Health and Genetics/Laboratory Corporation of America, LabCorp
Classification: Likely benign. Last evaluated: 2025-02-10. Review status: criteria provided, single submitter. Criteria: LabCorp Variant Classification Summary - May 2015. Collection method: clinical testing. Allele origin: germline.

Laboratory for Molecular Medicine, Mass General Brigham Personalized Medicine
Classification: Likely benign. Last evaluated: 2015-07-22. Review status: criteria provided, single submitter. Criteria: LMM Criteria. Collection method: clinical testing. Allele origin: germline. Observed: 1 variant allele.
Comment: p.Leu5668Leu in exon 68 of TTN: This variant is not expected to have clinical si gnificance because it does not alter an amino acid residue and is not located wi thin the splice consensus sequence.

NM_001267550.2(TTN):c.20736A>G (p.Leu6912=)

Gene: TTN (titin; minus strand). Cytogenetic location: 2q31.2.
Variant type: single nucleotide variant.
Coding change: c.20736A>G on transcript NM_001267550.2 (MANE Select); coding-DNA position 20736, A replaced by G.
Protein change: p.Leu6912=; no amino-acid change (leucine 6912 retained).
Molecular consequence: synonymous variant. On other transcripts: intron variant (3).
Genome position (GRCh38, 1-based): chr2:178,725,468, T>C on the plus strand (A>G on the coding strand, the complement: TTN is on the minus strand). VCF-style: chr2-178725468-T-C. GRCh37 (hg19) VCF-style: chr2-179590195-T-C.
Other names: c.17004A>G, p.Leu5668= (NM_133378.4); c.19785A>G, p.Leu6595= (NM_001256850.1); c.13282+12614A>G (NM_003319.4); c.13858+12614A>G (NM_133437.4); c.13657+12614A>G (NM_133432.3).
Identifiers: ClinVar variation 228065 (VCV000228065.11), dbSNP rs876657600, ClinGen allele CA10576554.